The following is an entry in ClinVar:

NM_016239.4(MYO15A):c.5602C>T (p.Arg1868Cys)

Gene: MYO15A (myosin XVA; plus strand). Cytogenetic location: 17p11.2.
Variant type: single nucleotide variant.
Coding change: c.5602C>T on transcript NM_016239.4 (MANE Select); coding-DNA position 5602, C replaced by T.
Protein change: p.Arg1868Cys; replaces arginine 1868 with cysteine.
Molecular consequence: missense variant.
Genome position (GRCh38, 1-based): chr17:18,141,723, C>T. VCF-style: chr17-18141723-C-T. GRCh37 (hg19) VCF-style: chr17-18045037-C-T.
Other names: short protein forms R1868C.
Identifiers: ClinVar variation 4860640 (VCV004860640.1).

ClinVar aggregate classification (germline): Uncertain significance (1 of 4 stars; one submission).

Conditions:
Inborn genetic diseases. Identifiers: MedGen C0950123, MeSH D030342.

Submission:

Ambry Genetics
Classification: Uncertain significance for Inborn genetic diseases. Last evaluated: 2026-05-26. Review status: criteria provided, single submitter. Criteria: Ambry Variant Classification Scheme 2023. Collection method: clinical testing. Allele origin: germline.
Comment: The c.5602C>T (p.R1868C) alteration is located in exon 23 (coding exon 22) of the MYO15A gene. This alteration results from a C to T substitution at nucleotide position 5602, causing the arginine (R) at amino acid position 1868 to be replaced by a cysteine (C). Based on data from gnomAD, the T allele has an overall frequency of 0.002% (5/249536) total alleles studied. The highest observed frequency was 0.006% (2/34526) of Latino alleles. Based on insufficient or conflicting evidence, the clinical significance of this alteration remains unclear.